The following is an entry in ClinVar:

ClinVar aggregate classification (germline): Pathogenic (1 of 4 stars; one submission).

Submission:

GeneDx
Classification: Pathogenic. Last evaluated: 2023-06-21. Review status: criteria provided, single submitter. Criteria: GeneDx Variant Classification Process June 2021. Collection method: clinical testing. Allele origin: germline. Affected: yes.
Comment: In silico analysis supports that this missense variant has a deleterious effect on protein structure/function; Not observed at significant frequency in large population cohorts (gnomAD); This variant is associated with the following publications: (PMID: 35314505)

NM_139137.4(KCNC2):c.1310C>A (p.Thr437Asn)

Gene: KCNC2 (potassium voltage-gated channel subfamily C member 2; minus strand). Cytogenetic location: 12q21.1.
Variant type: single nucleotide variant.
Coding change: c.1310C>A on transcript NM_139137.4 (MANE Select); coding-DNA position 1310, C replaced by A.
Protein change: p.Thr437Asn; replaces threonine 437 with asparagine.
Molecular consequence: missense variant. On other transcripts: non-coding transcript variant (1).
Genome position (GRCh38, 1-based): chr12:75,050,695, G>T on the plus strand (C>A on the coding strand, the complement: KCNC2 is on the minus strand). VCF-style: chr12-75050695-G-T. GRCh37 (hg19) VCF-style: chr12-75444475-G-T.
Other names: c.1310C>A, p.Thr437Asn (NM_001260497.2, NM_001260498.2, NM_001260499.2 and 13 more transcripts); short protein forms T437N.
Identifiers: ClinVar variation 3342853 (VCV003342853.1).